The following is an entry in ClinVar:

NM_020247.5(COQ8A):c.754A>G (p.Ser252Gly)

Gene: COQ8A (coenzyme Q8A; plus strand). Cytogenetic location: 1q42.13.
Variant type: single nucleotide variant.
Coding change: c.754A>G on transcript NM_020247.5 (MANE Select); coding-DNA position 754, A replaced by G.
Protein change: p.Ser252Gly; replaces serine 252 with glycine.
Molecular consequence: missense variant.
Genome position (GRCh38, 1-based): chr1:226,982,050, A>G. VCF-style: chr1-226982050-A-G. GRCh37 (hg19) VCF-style: chr1-227169751-A-G.
Other names: short protein forms S252G.
Identifiers: ClinVar variation 1378914 (VCV001378914.6), dbSNP rs2148124727, ClinGen allele CA345051859.

ClinVar aggregate classification (germline): Uncertain significance (1 of 4 stars; one submission).

Submission:

Labcorp Genetics (formerly Invitae), Labcorp
Classification: Uncertain significance. Last evaluated: 2025-08-18. Review status: criteria provided, single submitter. Criteria: Invitae Variant Classification Sherloc (09022015). Collection method: clinical testing. Allele origin: germline.
Comment: This sequence change replaces serine, which is neutral and polar, with glycine, which is neutral and non-polar, at codon 252 of the COQ8A protein (p.Ser252Gly). This variant is not present in population databases (gnomAD no frequency). This variant has not been reported in the literature in individuals affected with COQ8A-related conditions. ClinVar contains an entry for this variant (Variation ID: 1378914). Invitae Evidence Modeling of protein sequence and biophysical properties (such as structural, functional, and spatial information, amino acid conservation, physicochemical variation, residue mobility, and thermodynamic stability) has been performed for this missense variant. However, the output from this modeling did not meet the statistical confidence thresholds required to predict the impact of this variant on COQ8A protein function. In summary, the available evidence is currently insufficient to determine the role of this variant in disease. Therefore, it has been classified as a Variant of Uncertain Significance.